The following is an entry in ClinVar:

ClinVar aggregate classification (germline): Uncertain significance (1 of 4 stars; one submission).

Allele frequency attached by ClinVar (database versions not stated): gnomAD 0.00002 and 0.00003; gnomAD exomes 0.00002; TOPMed 0.00002; ExAC 0.00003; ESP Exome Variant Server 0.00008; 1000 Genomes Project 30x 0.00016; 1000 Genomes Project 0.00020.
gnomAD v4.1: 16 of 1,612,956 alleles (0.00099%); highest among the groups gnomAD compares: African/African-American, 0.0027%; no homozygotes.

Submission:

Labcorp Genetics (formerly Invitae), Labcorp
Classification: Uncertain significance. Last evaluated: 2022-12-27. Review status: criteria provided, single submitter. Criteria: Invitae Variant Classification Sherloc (09022015). Collection method: clinical testing. Allele origin: germline.
Comment: In summary, the available evidence is currently insufficient to determine the role of this variant in disease. Therefore, it has been classified as a Variant of Uncertain Significance. Algorithms developed to predict the effect of missense changes on protein structure and function are either unavailable or do not agree on the potential impact of this missense change (SIFT: "Deleterious"; PolyPhen-2: "Possibly Damaging"; Align-GVGD: "Class C0"). ClinVar contains an entry for this variant (Variation ID: 1373391). This variant has not been reported in the literature in individuals affected with AP3D1-related conditions. This variant is present in population databases (rs201591947, gnomAD 0.01%). This sequence change replaces valine, which is neutral and non-polar, with methionine, which is neutral and non-polar, at codon 699 of the AP3D1 protein (p.Val699Met).

NM_001261826.3(AP3D1):c.2095G>A (p.Val699Met)

Gene: AP3D1 (adaptor related protein complex 3 subunit delta 1; minus strand). Cytogenetic location: 19p13.3.
Variant type: single nucleotide variant.
Coding change: c.2095G>A on transcript NM_001261826.3 (MANE Select); coding-DNA position 2095, G replaced by A.
Protein change: p.Val699Met; replaces valine 699 with methionine.
Molecular consequence: missense variant.
Genome position (GRCh38, 1-based): chr19:2,115,592, C>T on the plus strand (G>A on the coding strand, the complement: AP3D1 is on the minus strand). VCF-style: chr19-2115592-C-T. GRCh37 (hg19) VCF-style: chr19-2115591-C-T.
Other names: c.2095G>A, p.Val699Met (NM_001374799.1, NM_003938.8); short protein forms V699M.
Identifiers: ClinVar variation 1373391 (VCV001373391.6), dbSNP rs201591947, ClinGen allele CA9059020.